The following is an entry in ClinVar:

ClinVar aggregate classification (germline): Uncertain significance (1 of 4 stars; one submission).

Conditions:
Deficiency of butyryl-CoA dehydrogenase (ACADSD). Also called: SCAD Deficiency; SCADH DEFICIENCY; ACADS DEFICIENCY; Short-Chain Acyl-CoA Dehydrogenase Deficiency; SCAD DEFICIENCY, MILD; ACYL-CoA DEHYDROGENASE, SHORT-CHAIN, DEFICIENCY OF. Identifiers: Orphanet 26792, MedGen C0342783, MONDO:0008722, OMIM 201470. Disease mechanism: May be benign.

Allele frequency attached by ClinVar (database versions not stated): gnomAD exomes below 0.00001; gnomAD 0.00001; TOPMed 0.00002.
gnomAD v4.1: 3 of 1,603,268 alleles (0.00019%); highest among the groups gnomAD compares: African/African-American, 0.0027%; no homozygotes.

Submission:

Labcorp Genetics (formerly Invitae), Labcorp
Classification: Uncertain significance for Deficiency of butyryl-CoA dehydrogenase. Last evaluated: 2022-08-10. Review status: criteria provided, single submitter. Criteria: Invitae Variant Classification Sherloc (09022015). Collection method: clinical testing. Allele origin: germline.
Comment: This variant is not present in population databases (gnomAD no frequency). This sequence change replaces alanine, which is neutral and non-polar, with threonine, which is neutral and polar, at codon 99 of the ACADS protein (p.Ala99Thr). This variant has not been reported in the literature in individuals affected with ACADS-related conditions. In summary, the available evidence is currently insufficient to determine the role of this variant in disease. Therefore, it has been classified as a Variant of Uncertain Significance. Advanced modeling of protein sequence and biophysical properties (such as structural, functional, and spatial information, amino acid conservation, physicochemical variation, residue mobility, and thermodynamic stability) performed at Invitae indicates that this missense variant is not expected to disrupt ACADS protein function.

NM_000017.4(ACADS):c.295G>A (p.Ala99Thr)

Gene: ACADS (acyl-CoA dehydrogenase short chain; plus strand). Cytogenetic location: 12q24.31.
Variant type: single nucleotide variant.
Coding change: c.295G>A on transcript NM_000017.4 (MANE Select); coding-DNA position 295, G replaced by A.
Protein change: p.Ala99Thr; replaces alanine 99 with threonine.
Molecular consequence: missense variant.
Genome position (GRCh38, 1-based): chr12:120,737,070, G>A. VCF-style: chr12-120737070-G-A. GRCh37 (hg19) VCF-style: chr12-121174873-G-A.
Other names: c.295G>A, p.Ala99Thr (NM_001302554.2); short protein forms A99T.
Identifiers: ClinVar variation 1981406 (VCV001981406.4), dbSNP rs1278196195, ClinGen allele CA386614094.